The following is an entry in ClinVar:

NM_032776.3(JMJD1C):c.4825A>G (p.Lys1609Glu)

Gene: JMJD1C (jumonji domain containing 1C; minus strand). Cytogenetic location: 10q21.3.
Variant type: single nucleotide variant.
Coding change: c.4825A>G on transcript NM_032776.3 (MANE Select); coding-DNA position 4825, A replaced by G.
Protein change: p.Lys1609Glu; replaces lysine 1609 with glutamic acid.
Molecular consequence: missense variant. On other transcripts: non-coding transcript variant (1).
Genome position (GRCh38, 1-based): chr10:63,206,844, T>C on the plus strand (A>G on the coding strand, the complement: JMJD1C is on the minus strand). VCF-style: chr10-63206844-T-C. GRCh37 (hg19) VCF-style: chr10-64966604-T-C.
Other names: c.4825A>G (NM_032776.1); c.4279A>G, p.Lys1427Glu (NM_001282948.2, NM_001318154.2); c.3961A>G, p.Lys1321Glu (NM_001318153.2); c.4711A>G, p.Lys1571Glu (NM_001322252.2); c.4168A>G, p.Lys1390Glu (NM_001322254.2, NM_001322258.2); short protein forms K1609E, K1427E, K1321E, K1390E, K1571E.
Identifiers: ClinVar variation 460254 (VCV000460254.10), dbSNP rs189704160, ClinGen allele CA5518203.

ClinVar aggregate classification (germline): Uncertain significance. Review status: criteria provided, multiple submitters, no conflicts (2 of 4 stars). 2 submissions from 2 submitters: Uncertain significance (2). Last evaluated 2025-08-17.

Conditions:
Early Myoclonic Encephalopathy. Identifiers: MedGen C0270855.

Allele frequency attached by ClinVar (database versions not stated): ExAC 0.00002; gnomAD 0.00006; TOPMed 0.00005; gnomAD exomes 0.00003; 1000 Genomes Project 0.00020; 1000 Genomes Project 30x 0.00031.
gnomAD v4.1: 57 of 1,601,564 alleles (0.0036%); highest among the groups gnomAD compares: Admixed American, 0.019%; no homozygotes.

Submissions (2):

Labcorp Genetics (formerly Invitae), Labcorp
Classification: Uncertain significance for Early Myoclonic Encephalopathy. Last evaluated: 2025-08-17. Review status: criteria provided, single submitter. Criteria: Invitae Variant Classification Sherloc (09022015). Collection method: clinical testing. Allele origin: germline.
Comment: This sequence change replaces lysine, which is basic and polar, with glutamic acid, which is acidic and polar, at codon 1609 of the JMJD1C protein (p.Lys1609Glu). This variant is present in population databases (rs189704160, gnomAD 0.01%). This variant has not been reported in the literature in individuals affected with JMJD1C-related conditions. ClinVar contains an entry for this variant (Variation ID: 460254). Invitae Evidence Modeling of protein sequence and biophysical properties (such as structural, functional, and spatial information, amino acid conservation, physicochemical variation, residue mobility, and thermodynamic stability) indicates that this missense variant is not expected to disrupt JMJD1C protein function with a negative predictive value of 80%. In summary, the available evidence is currently insufficient to determine the role of this variant in disease. Therefore, it has been classified as a Variant of Uncertain Significance.

Ambry Genetics
Classification: Uncertain significance. Last evaluated: 2024-10-25. Review status: criteria provided, single submitter. Criteria: Ambry Variant Classification Scheme 2023. Collection method: clinical testing. Allele origin: germline.